The following is an entry in ClinVar:

ClinVar aggregate classification (germline): Uncertain significance. Review status: criteria provided, multiple submitters, no conflicts (2 of 4 stars). 3 submissions from 3 submitters: Uncertain significance (3). Last evaluated 2025-11-25.

Conditions:
Intellectual developmental disorder, autosomal dominant 1. Also called: Intellectual disability, autosomal dominant 1; MBD5 Haploinsufficiency. Identifiers: Orphanet 228402, MedGen C1969562, MONDO:0007974, OMIM 156200.

Allele frequency attached by ClinVar (database versions not stated): gnomAD 0.00003 and 0.00002; gnomAD exomes 0.00001 and 0.00002; TOPMed 0.00002; ExAC 0.00003.
gnomAD v4.1: 28 of 1,614,042 alleles (0.0017%); highest among the groups gnomAD compares: Admixed American, 0.0033%; no homozygotes.

Submissions (3):

Labcorp Genetics (formerly Invitae), Labcorp
Classification: Uncertain significance for Intellectual developmental disorder, autosomal dominant 1. Last evaluated: 2025-11-25. Review status: criteria provided, single submitter. Criteria: Invitae Variant Classification Sherloc (09022015). Collection method: clinical testing. Allele origin: germline.
Comment: This sequence change replaces aspartic acid, which is acidic and polar, with asparagine, which is neutral and polar, at codon 1387 of the MBD5 protein (p.Asp1387Asn). This variant is present in population databases (rs750381367, gnomAD 0.006%). This variant has not been reported in the literature in individuals affected with MBD5-related conditions. ClinVar contains an entry for this variant (Variation ID: 536665). Experimental studies and prediction algorithms are not available or were not evaluated, and the functional significance of this variant is currently unknown. In summary, the available evidence is currently insufficient to determine the role of this variant in disease. Therefore, it has been classified as a Variant of Uncertain Significance.

CeGaT Center for Human Genetics Tuebingen
Classification: Uncertain significance. Last evaluated: 2025-09-01. Review status: criteria provided, single submitter. Criteria: CeGaT Center For Human Genetics Tuebingen Variant Classification Criteria Version 2. Collection method: clinical testing. Allele origin: germline. Affected: yes. Observed: 1 variant allele.

Breakthrough Genomics
Classification: Uncertain significance. Review status: criteria provided, single submitter. Criteria: ACMG Guidelines, 2015. Collection method: not provided. Allele origin: germline. Inheritance: Autosomal dominant inheritance. Affected: yes.

NM_001378120.1(MBD5):c.4858G>A (p.Asp1620Asn)

Gene: MBD5 (methyl-CpG binding domain protein 5; plus strand). Cytogenetic location: 2q23.1.
Variant type: single nucleotide variant.
Coding change: c.4858G>A on transcript NM_001378120.1 (MANE Select); coding-DNA position 4858, G replaced by A.
Protein change: p.Asp1620Asn; replaces aspartic acid 1620 with asparagine.
Molecular consequence: missense variant.
Genome position (GRCh38, 1-based): chr2:148,490,490, G>A. VCF-style: chr2-148490490-G-A. GRCh37 (hg19) VCF-style: chr2-149248059-G-A.
Other names: c.4159G>A, p.Asp1387Asn (NM_018328.5); short protein forms D1387N, D1620N.
Identifiers: ClinVar variation 536665 (VCV000536665.34), dbSNP rs750381367, ClinGen allele CA1900478.
Genomic context (GRCh38, chr2:148,490,490, plus strand): 5'-CCAGACTCCCCCTCTTCAAATGAATTGATACATTATAGACCAAGGACGTTCAATGTTGGC[G>A]ACTTGGTCTGGGGCCAAATCAAAGGACTGACTTCCTGGCCTGGAAAATTAGTAAGAGAAG-3'
Protein context (NP_001365049.1, residues 1610-1630): HYRPRTFNVG[Asp1620Asn]LVWGQIKGLT